The following is an entry in ClinVar:

NM_001369.3(DNAH5):c.2019del (p.Phe673fs)

Gene: DNAH5 (dynein axonemal heavy chain 5; minus strand). Cytogenetic location: 5p15.2.
Variant type: Deletion.
Coding change: c.2019del on transcript NM_001369.3 (MANE Select); coding-DNA position 2019, one base deleted (T; older notation c.2019delT).
Protein change: p.Phe673fs; shifts the reading frame from phenylalanine 673.
Molecular consequence: frameshift variant.
Genome position (GRCh38, 1-based): chr5:13,901,285, A deleted on the plus strand (T on the coding strand, the reverse complement: DNAH5 is on the minus strand); the first of 3 consecutive A bases (chr5:13,901,285-13,901,287); deleting any one gives the same sequence. VCF-style (leftmost placement, unchanged base first): chr5-13901284-CA-C. GRCh37 (hg19) VCF-style: chr5-13901393-CA-C.
Other names: short protein forms F673fs.
Identifiers: ClinVar variation 5014200 (VCV005014200.1).
Genomic context (GRCh38, chr5:13,901,284, plus strand): 5'-TGGGAAGAGTATAAATTTAGGGACTCACTTGCCGAAGCCACGCCCTGTGGAAGAGGACCT[CA>C]AACTCCAGGAGGACCTTGGCCATCCTGTTGTAACTGCGAATTATAGGTTTGGCTTCTGCC-3'

ClinVar aggregate classification (germline): Pathogenic (1 of 4 stars; one submission).

Conditions:
Primary ciliary dyskinesia 3. Identifiers: Orphanet 244, MedGen C1837618, MONDO:0012085, OMIM 608644.

Submission:

Myriad Genetics, Inc.
Classification: Pathogenic for Primary ciliary dyskinesia 3. Last evaluated: 2025-03-10. Review status: criteria provided, single submitter. Criteria: Myriad Autosomal Dominant, Autosomal Recessive and X-Linked Classification Criteria (2023). Collection method: clinical testing. Allele origin: unknown.
Comment: NM_001369.2(DNAH5):c.2019delT(F673Lfs*18) is expected to be pathogenic in the context of primary ciliary dyskinesia, DNAH5-related. This variant is predicted to lead to an abnormal or absent protein product due to the creation of a premature termination codon in DNAH5, a gene where loss-of-function variants are known to be pathogenic. Please note: this variant was assessed in the context of healthy population screening.